The following is an entry in ClinVar:

NM_020297.4(ABCC9):c.2340-2A>G

Gene: ABCC9 (ATP binding cassette subfamily C member 9; minus strand). Cytogenetic location: 12p12.1.
Variant type: single nucleotide variant.
Coding change: c.2340-2A>G on transcript NM_020297.4 (MANE Select); the canonical splice acceptor site of the intron before coding-DNA position 2340, A replaced by G.
Molecular consequence: splice acceptor variant.
Genome position (GRCh38, 1-based): chr12:21,861,057, T>C on the plus strand (A>G on the coding strand, the complement: ABCC9 is on the minus strand). VCF-style: chr12-21861057-T-C. GRCh37 (hg19) VCF-style: chr12-22013991-T-C.
Other names: c.1473-2A>G (NM_001377274.1); c.2340-2A>G (NM_005691.4, NM_001377273.1).
Identifiers: ClinVar variation 4085998 (VCV004085998.8).

ClinVar aggregate classification (germline): Pathogenic (1 of 4 stars; one submission).

Submission:

CeGaT Center for Human Genetics Tuebingen
Classification: Pathogenic. Last evaluated: 2025-08-01. Review status: criteria provided, single submitter. Criteria: CeGaT Center For Human Genetics Tuebingen Variant Classification Criteria Version 2. Collection method: clinical testing. Allele origin: germline. Affected: yes. Observed: 1 variant allele.
Comment: ABCC9: PVS1, PM2